The following is an entry in ClinVar:

NM_001148.6(ANK2):c.9286A>G (p.Ser3096Gly)

Gene: ANK2 (ankyrin 2; plus strand). Cytogenetic location: 4q26.
Variant type: single nucleotide variant.
Coding change: c.9286A>G on transcript NM_001148.6 (MANE Select); coding-DNA position 9286, A replaced by G.
Protein change: p.Ser3096Gly; replaces serine 3096 with glycine.
Molecular consequence: missense variant. On other transcripts: intron variant (68).
Genome position (GRCh38, 1-based): chr4:113,357,904, A>G. VCF-style: chr4-113357904-A-G. GRCh37 (hg19) VCF-style: chr4-114279060-A-G.
Other names: c.9052A>G, p.Ser3018Gly (NM_001386142.1); c.5686A>G, p.Ser1896Gly (NM_001386166.1); c.9427A>G, p.Ser3143Gly (NM_001386174.1); c.9403A>G, p.Ser3135Gly (NM_001386175.1); c.4412-2919A>G (NM_001386186.2, NM_001386148.2); c.4214-2919A>G (NM_001354269.3); c.4292-2919A>G (NM_001386187.2); c.4253-2919A>G (NM_001386147.1); and 35 more; short protein forms S3096G, S1896G, S3018G, S3135G, S3143G.
Identifiers: ClinVar variation 379629 (VCV000379629.31), dbSNP rs144158934, ClinGen allele CA3051899.

ClinVar aggregate classification (germline): Conflicting classifications of pathogenicity. Review status: criteria provided, conflicting classifications (1 of 4 stars). 8 submissions from 8 submitters: Uncertain significance (1); Benign (4); Likely benign (2). 1 of the submissions does not count toward it. Last evaluated 2026-06-01.

Conditions:
ANK2-related disorder. Also called: ANK2-related condition.
Cardiac arrhythmia, ankyrin-B-related. Also called: ANKYRIN-B SYNDROME. Identifiers: Orphanet 101016, Orphanet 768, MedGen C1970119, MONDO:0010958, OMIM 600919.
Cardiovascular phenotype. Identifiers: MedGen CN230736.
Long QT syndrome (LQTS). Identifiers: MedGen C0023976, MeSH D008133, MONDO:0002442. Disease mechanism: loss of function. Inheritance: Various modes of inheritance.

Allele frequency attached by ClinVar (database versions not stated): gnomAD exomes 0.00058; ExAC 0.00066; gnomAD 0.00218 and 0.00238; 1000 Genomes Project 0.00220; 1000 Genomes Project 30x 0.00234; TOPMed 0.00255; ESP Exome Variant Server 0.00308.
gnomAD v4.1: 661 of 1,614,086 alleles (0.041%); highest among the groups gnomAD compares: African/African-American, 0.82%; 6 homozygotes.

Submissions (8):

CeGaT Center for Human Genetics Tuebingen
Classification: Likely benign. Last evaluated: 2026-06-01. Review status: criteria provided, single submitter. Criteria: CeGaT Center For Human Genetics Tuebingen Variant Classification Criteria Version 2. Collection method: clinical testing. Allele origin: germline. Affected: yes. Observed: 1 variant allele.
Comment: ANK2: BS1

Labcorp Genetics (formerly Invitae), Labcorp
Classification: Benign for Long QT syndrome. Last evaluated: 2026-01-18. Review status: criteria provided, single submitter. Criteria: Invitae Variant Classification Sherloc (09022015). Collection method: clinical testing. Allele origin: germline.

ARUP Laboratories, Molecular Genetics and Genomics, ARUP Laboratories
Classification: Benign. Last evaluated: 2019-04-01. Review status: criteria provided, single submitter. Criteria: ARUP Molecular Germline Variant Investigation Process. Collection method: clinical testing. Allele origin: germline.

Ambry Genetics
Classification: Benign for Cardiovascular phenotype. Last evaluated: 2018-06-27. Review status: criteria provided, single submitter. Criteria: Ambry Variant Classification Scheme 2023. Collection method: clinical testing. Allele origin: germline.

Illumina Laboratory Services, Illumina
Classification: Likely benign for Cardiac arrhythmia, ankyrin-B-related. Last evaluated: 2018-01-13. Review status: criteria provided, single submitter. Criteria: ICSL Variant Classification Criteria 13 December 2019. Collection method: clinical testing. Allele origin: germline.
Comment: This variant was observed in the ICSL laboratory as part of a predisposition screen in an ostensibly healthy population. It had not been previously curated by ICSL or reported in the Human Gene Mutation Database (HGMD: prior to June 1st, 2018), and was therefore a candidate for classification through an automated scoring system. Utilizing variant allele frequency, disease prevalence and penetrance estimates, and inheritance mode, an automated score was calculated to assess if this variant is too frequent to cause the disease. Based on the score and internal cut-off values, a variant classified as likely benign is not then subjected to further curation. The score for this variant resulted in a classification of likely benign for this disease.

GeneDx
Classification: Benign. Last evaluated: 2017-11-02. Review status: criteria provided, single submitter. Criteria: GeneDx Variant Classification (06012015). Collection method: clinical testing. Allele origin: germline. Affected: yes.
Comment: This variant is considered likely benign or benign based on one or more of the following criteria: it is a conservative change, it occurs at a poorly conserved position in the protein, it is predicted to be benign by multiple in silico algorithms, and/or has population frequency not consistent with disease.

Molecular Diagnostic Laboratory for Inherited Cardiovascular Disease, Montreal Heart Institute
Classification: Uncertain significance for Congenital long QT syndrome. Last evaluated: 2016-10-31. Review status: criteria provided, single submitter. Criteria: ACMG Guidelines, 2015. Collection method: clinical testing. Allele origin: germline. Affected: yes.

PreventionGenetics, part of Exact Sciences
Classification: Benign for ANK2-related condition. Last evaluated: 2019-06-11. Review status: no assertion criteria provided. Collection method: clinical testing. Allele origin: germline. Not counted in ClinVar's aggregate classification.
Comment: This variant is classified as benign based on ACMG/AMP sequence variant interpretation guidelines (Richards et al. 2015 PMID: 25741868, with internal and published modifications).